The following is an entry in ClinVar:

ClinVar aggregate classification (germline): Uncertain significance. Review status: criteria provided, multiple submitters, no conflicts (2 of 4 stars). 2 submissions from 2 submitters: Uncertain significance (2). Last evaluated 2026-04-22.

Conditions:
Baller-Gerold syndrome (BGS). Also called: CRANIOSYNOSTOSIS WITH RADIAL DEFECTS. Identifiers: Orphanet 1225, MedGen C0265308, MONDO:0009039, OMIM 218600.
Inborn genetic diseases. Identifiers: MedGen C0950123, MeSH D030342.

Allele frequency attached by ClinVar (database versions not stated): gnomAD 0.00002; TOPMed 0.00002; ExAC 0.00003; gnomAD exomes 0.00001.
gnomAD v4.1: 13 of 1,612,146 alleles (0.00081%); highest among the groups gnomAD compares: African/African-American, 0.0027%; no homozygotes.

Submissions (2):

Ambry Genetics
Classification: Uncertain significance for Inborn genetic diseases. Last evaluated: 2026-04-22. Review status: criteria provided, single submitter. Criteria: Ambry Variant Classification Scheme 2023. Collection method: clinical testing. Allele origin: germline.
Comment: The p.P931S variant (also known as c.2791C>T), located in coding exon 16 of the RECQL4 gene, results from a C to T substitution at nucleotide position 2791. The proline at codon 931 is replaced by serine, an amino acid with similar properties. This amino acid position is conserved. Based on the available evidence, the clinical significance of this variant remains unclear.

Labcorp Genetics (formerly Invitae), Labcorp
Classification: Uncertain significance for Baller-Gerold syndrome. Last evaluated: 2025-09-14. Review status: criteria provided, single submitter. Criteria: Invitae Variant Classification Sherloc (09022015). Collection method: clinical testing. Allele origin: germline.
Comment: This sequence change replaces proline, which is neutral and non-polar, with serine, which is neutral and polar, at codon 931 of the RECQL4 protein (p.Pro931Ser). This variant is present in population databases (rs768352855, gnomAD 0.003%). This variant has not been reported in the literature in individuals affected with RECQL4-related conditions. ClinVar contains an entry for this variant (Variation ID: 573483). Invitae Evidence Modeling of protein sequence and biophysical properties (such as structural, functional, and spatial information, amino acid conservation, physicochemical variation, residue mobility, and thermodynamic stability) indicates that this missense variant is not expected to disrupt RECQL4 protein function with a negative predictive value of 80%. In summary, the available evidence is currently insufficient to determine the role of this variant in disease. Therefore, it has been classified as a Variant of Uncertain Significance.

NM_004260.4(RECQL4):c.2791C>T (p.Pro931Ser)

Gene: RECQL4 (RecQ like helicase 4; minus strand). Cytogenetic location: 8q24.3.
Variant type: single nucleotide variant.
Coding change: c.2791C>T on transcript NM_004260.4 (MANE Select); coding-DNA position 2791, C replaced by T.
Protein change: p.Pro931Ser; replaces proline 931 with serine.
Molecular consequence: missense variant.
Genome position (GRCh38, 1-based): chr8:144,512,736, G>A on the plus strand (C>T on the coding strand, the complement: RECQL4 is on the minus strand). VCF-style: chr8-144512736-G-A. GRCh37 (hg19) VCF-style: chr8-145738119-G-A.
Other names: short protein forms P931S.
Identifiers: ClinVar variation 573483 (VCV000573483.6), dbSNP rs768352855, ClinGen allele CA4948073.